The following is an entry in ClinVar:

ClinVar aggregate classification (germline): Uncertain significance (1 of 4 stars; one submission).

Conditions:
Developmental and epileptic encephalopathy 94 (DEE94). Also called: Epileptic encephalopathy, childhood-onset; CHD2-Related Neurodevelopmental Disorders. Identifiers: Orphanet 1942, Orphanet 2382, MedGen C3809278, MONDO:0014150, OMIM 615369.

Allele frequency attached by ClinVar (database versions not stated): TOPMed below 0.00001; ExAC 0.00001; gnomAD exomes 0.00001.
gnomAD v4.1: 8 of 1,576,550 alleles (0.00051%); highest among the groups gnomAD compares: South Asian, 0.0012%; no homozygotes.

Submission:

Labcorp Genetics (formerly Invitae), Labcorp
Classification: Uncertain significance for Developmental and epileptic encephalopathy 94. Last evaluated: 2024-11-04. Review status: criteria provided, single submitter. Criteria: Invitae Variant Classification Sherloc (09022015). Collection method: clinical testing. Allele origin: germline.
Comment: This sequence change replaces arginine, which is basic and polar, with glutamine, which is neutral and polar, at codon 403 of the CHD2 protein (p.Arg403Gln). This variant is present in population databases (rs753174378, gnomAD 0.0009%). This variant has not been reported in the literature in individuals affected with CHD2-related conditions. ClinVar contains an entry for this variant (Variation ID: 2913936). Invitae Evidence Modeling of protein sequence and biophysical properties (such as structural, functional, and spatial information, amino acid conservation, physicochemical variation, residue mobility, and thermodynamic stability) indicates that this missense variant is not expected to disrupt CHD2 protein function with a negative predictive value of 95%. In summary, the available evidence is currently insufficient to determine the role of this variant in disease. Therefore, it has been classified as a Variant of Uncertain Significance.

NM_001271.4(CHD2):c.1208G>A (p.Arg403Gln)

Gene: CHD2 (chromodomain helicase DNA binding protein 2; plus strand). Cytogenetic location: 15q26.1.
Variant type: single nucleotide variant.
Coding change: c.1208G>A on transcript NM_001271.4 (MANE Select); coding-DNA position 1208, G replaced by A.
Protein change: p.Arg403Gln; replaces arginine 403 with glutamine.
Molecular consequence: missense variant.
Genome position (GRCh38, 1-based): chr15:92,946,047, G>A. VCF-style: chr15-92946047-G-A. GRCh37 (hg19) VCF-style: chr15-93489277-G-A.
Other names: c.1208G>A, p.Arg403Gln (NM_001042572.3); short protein forms R403Q.
Identifiers: ClinVar variation 2913936 (VCV002913936.3), dbSNP rs753174378, ClinGen allele CA7747755.
Genomic context (GRCh38, chr15:92,946,047, plus strand): 5'-TCACTTTTAATTGACAGTTGCTAATCTATAAATTTTTTTTATATGAAATAGCTCATAGTC[G>A]GAAGCCGGCACCCTCAAATGAGCCCGAATATCTATGTAAATGGATGGGACTCCCCTATTC-3'
Protein context (NP_001262.3, residues 393-413): LGQTDFPAHS[Arg403Gln]KPAPSNEPEY